The following is an entry in ClinVar:

ClinVar aggregate classification (germline): Uncertain significance. Review status: criteria provided, multiple submitters, no conflicts (2 of 4 stars). 2 submissions from 2 submitters: Uncertain significance (2). Last evaluated 2024-10-24.

Conditions:
Rhabdoid tumor predisposition syndrome 2 (RTPS2). Identifiers: Orphanet 231108, Orphanet 69077, MedGen C2750074, MONDO:0013224, OMIM 613325.
Hereditary cancer-predisposing syndrome. Also called: Neoplastic Syndromes, Hereditary; Tumor predisposition; Hereditary neoplastic syndrome; Hereditary Cancer Syndrome. Identifiers: Orphanet 140162, MedGen C0027672, MeSH D009386, MONDO:0015356.

Submissions (2):

Ambry Genetics
Classification: Uncertain significance for Hereditary cancer-predisposing syndrome. Last evaluated: 2024-10-24. Review status: criteria provided, single submitter. Criteria: Ambry Variant Classification Scheme 2023. Collection method: clinical testing. Allele origin: germline.
Comment: The p.H73L variant (also known as c.218A>T), located in coding exon 1 of the SMARCA4 gene, results from an A to T substitution at nucleotide position 218. The histidine at codon 73 is replaced by leucine, an amino acid with similar properties. This amino acid position is highly conserved in available vertebrate species. In addition, the in silico prediction for this alteration is inconclusive. Based on the available evidence, the clinical significance of this variant remains unclear.

Labcorp Genetics (formerly Invitae), Labcorp
Classification: Uncertain significance for Rhabdoid tumor predisposition syndrome 2. Last evaluated: 2021-12-30. Review status: criteria provided, single submitter. Criteria: Invitae Variant Classification Sherloc (09022015). Collection method: clinical testing. Allele origin: germline.
Comment: This variant has not been reported in the literature in individuals affected with SMARCA4-related conditions. In summary, the available evidence is currently insufficient to determine the role of this variant in disease. Therefore, it has been classified as a Variant of Uncertain Significance. Algorithms developed to predict the effect of missense changes on protein structure and function (SIFT, PolyPhen-2, Align-GVGD) all suggest that this variant is likely to be disruptive. ClinVar contains an entry for this variant (Variation ID: 581370). This variant is not present in population databases (gnomAD no frequency). This sequence change replaces histidine, which is basic and polar, with leucine, which is neutral and non-polar, at codon 73 of the SMARCA4 protein (p.His73Leu).

NM_003072.5(SMARCA4):c.218A>T (p.His73Leu)

Gene: SMARCA4 (SWI/SNF related BAF chromatin remodeling complex subunit ATPase 4; plus strand). Cytogenetic location: 19p13.2.
Variant type: single nucleotide variant.
Coding change: c.218A>T on transcript NM_003072.5 (MANE Select); coding-DNA position 218, A replaced by T.
Protein change: p.His73Leu; replaces histidine 73 with leucine.
Molecular consequence: missense variant. On other transcripts: non-coding transcript variant (1).
Genome position (GRCh38, 1-based): chr19:10,984,369, A>T. VCF-style: chr19-10984369-A-T. GRCh37 (hg19) VCF-style: chr19-11095045-A-T.
Other names: c.218A>T, p.His73Leu (NM_001128844.3, NM_001128845.2, NM_001128846.2 and 5 more transcripts); short protein forms H73L.
Identifiers: ClinVar variation 581370 (VCV000581370.11), dbSNP rs748147246, ClinGen allele CA404054720.